The following is an entry in ClinVar:

ClinVar aggregate classification (germline): Uncertain significance (1 of 4 stars; one submission).

Conditions:
Inborn genetic diseases. Identifiers: MedGen C0950123, MeSH D030342.

Submission:

Ambry Genetics
Classification: Uncertain significance for Inborn genetic diseases. Last evaluated: 2025-09-11. Review status: criteria provided, single submitter. Criteria: Ambry Variant Classification Scheme 2023. Collection method: clinical testing. Allele origin: germline.
Comment: The p.T185R variant (also known as c.554C>G), located in coding exon 1 of the SAMD9 gene, results from a C to G substitution at nucleotide position 554. The threonine at codon 185 is replaced by arginine, an amino acid with similar properties. This amino acid position is conserved. In addition, this alteration is predicted to be tolerated by in silico analysis. Based on the available evidence, the clinical significance of this variant remains unclear.

NM_017654.4(SAMD9):c.554C>G (p.Thr185Arg)

Gene: SAMD9 (sterile alpha motif domain containing 9; minus strand). Cytogenetic location: 7q21.2.
Variant type: single nucleotide variant.
Coding change: c.554C>G on transcript NM_017654.4 (MANE Select); coding-DNA position 554, C replaced by G.
Protein change: p.Thr185Arg; replaces threonine 185 with arginine.
Molecular consequence: missense variant.
Genome position (GRCh38, 1-based): chr7:93,105,544, G>C on the plus strand (C>G on the coding strand, the complement: SAMD9 is on the minus strand). VCF-style: chr7-93105544-G-C. GRCh37 (hg19) VCF-style: chr7-92734857-G-C.
Other names: c.554C>G, p.Thr185Arg (NM_001193307.2); short protein forms T185R.
Identifiers: ClinVar variation 4159221 (VCV004159221.1).
Genomic context (GRCh38, chr7:93,105,544, plus strand): 5'-GTTGCTGTATTTGTGAAGGCTTTGAATTCATGTATCGGATCAATGAGATTGCCTGGTCCT[G>C]TTTCAGGCTGTAGACTAAAATCCAACTTGTAACGATATGGATTACTGAATTCATCAAATG-3'
Protein context (NP_060124.2, residues 175-195): YKLDFSLQPE[Thr185Arg]GPGNLIDPIH